The following is an entry in ClinVar:

NM_000088.4(COL1A1):c.197_293del (p.Gly66fs)

Gene: COL1A1 (collagen type I alpha 1 chain; minus strand). Cytogenetic location: 17q21.33.
Variant type: Deletion.
Coding change: c.197_293del on transcript NM_000088.4 (MANE Select); coding-DNA positions 197 to 293, 97 bases deleted.
Protein change: p.Gly66fs; shifts the reading frame from glycine 66.
Molecular consequence: frameshift variant.
Genome position (GRCh38, 1-based): chr17:50,199,758-50,199,854, 97 bases deleted. GRCh37 (hg19): chr17:48,277,120-48,277,216.
Other names: short protein forms G66fs.
Identifiers: ClinVar variation 2021053 (VCV002021053.4), dbSNP rs2509258018, ClinGen allele CA2580094604.

ClinVar aggregate classification (germline): Pathogenic (1 of 4 stars; one submission).

Conditions:
Osteogenesis imperfecta type I (OI1). Also called: Lobstein disease; OI, TYPE I; OSTEOGENESIS IMPERFECTA TARDA; OSTEOGENESIS IMPERFECTA WITH BLUE SCLERAE; Osteogenesis imperfecta type 1; Classic Non-deforming Osteogenesis Imperfecta with Blue Sclerae. Identifiers: Orphanet 216796, Orphanet 666, MedGen C0023931, MONDO:0008146, OMIM 166200. Disease mechanism: loss of function.

Submission:

Labcorp Genetics (formerly Invitae), Labcorp
Classification: Pathogenic for Osteogenesis imperfecta type I. Last evaluated: 2024-03-31. Review status: criteria provided, single submitter. Criteria: Invitae Variant Classification Sherloc (09022015). Collection method: clinical testing. Allele origin: germline.
Comment: This sequence change creates a premature translational stop signal (p.Gly66Alafs*167) in the COL1A1 gene. It is expected to result in an absent or disrupted protein product. Loss-of-function variants in COL1A1 are known to be pathogenic (PMID: 7942841, 9295084, 9443882). This variant is not present in population databases (gnomAD no frequency). This variant has not been reported in the literature in individuals affected with COL1A1-related conditions. For these reasons, this variant has been classified as Pathogenic.

Literature cited by the submitters: PubMed 7942841; PubMed 9295084; PubMed 9443882.